The following is an entry in ClinVar:

NM_002968.3(SALL1):c.448AGC[11] (p.Ser159dup)

Gene: SALL1 (spalt like transcription factor 1; minus strand). Cytogenetic location: 16q12.1.
Variant type: Microsatellite.
Coding change: c.448AGC[11] on transcript NM_002968.3 (MANE Select); 11 copies in a row of the 3-base unit AGC starting at c.448; the reference has ten copies in a row; one copy, 3 bases duplicated; also written c.475_477dup.
Protein change: p.Ser159dup; duplicates serine 159.
Molecular consequence: inframe insertion.
Genome position (GRCh38, 1-based): chr16:51,141,745-51,141,747, GCT duplicated on the plus strand (AGC on the coding strand, the reverse complement: SALL1 is on the minus strand); duplicating any 3 consecutive bases within chr16:51,141,745-51,141,774 gives the same sequence; the position shown is the placement nearest the transcript's 3' end. VCF-style (leftmost placement, unchanged base first): chr16-51141744-C-CGCT. GRCh37 (hg19) VCF-style: chr16-51175655-C-CGCT.
Other names: p.Ser159dup; c.157AGC[11], p.Ser62dup (NM_001127892.2); c.475_477dupAGC (NM_002968.2); c.475_477dup (NM_002968.3).
Identifiers: ClinVar variation 258874 (VCV000258874.22), dbSNP rs113614842, ClinGen allele CA201620.

ClinVar aggregate classification (germline): Benign/Likely benign. Review status: criteria provided, multiple submitters, no conflicts (2 of 4 stars). 11 submissions from 11 submitters: Benign (7); Likely benign (2). 2 of the submissions do not count toward it. Last evaluated 2026-01-31.

Conditions:
Townes-Brocks syndrome 1 (TBS1). Also called: DEAFNESS, SENSORINEURAL, WITH IMPERFORATE ANUS AND THUMB ANOMALIES; SALL1-Related Townes-Brocks Syndrome; REAR SYNDROME; RENAL-EAR-ANAL-RADIAL SYNDROME. Identifiers: Orphanet 857, MedGen C4551481, MONDO:0054581, OMIM 107480.
Townes syndrome (TBS). Also called: Townes-Brocks syndrome. Identifiers: Orphanet 857, MedGen C0265246, MeSH C536974, MONDO:0007142.

Submissions (11):

Labcorp Genetics (formerly Invitae), Labcorp
Classification: Benign for Townes syndrome. Last evaluated: 2026-01-31. Review status: criteria provided, single submitter. Criteria: Invitae Variant Classification Sherloc (09022015). Collection method: clinical testing. Allele origin: germline.

Blueprint Genetics
Classification: Likely benign. Last evaluated: 2024-11-27. Review status: criteria provided, single submitter. Criteria: ACMG Guidelines, 2015. Collection method: clinical testing. Allele origin: germline.

Mayo Clinic Laboratories, Mayo Clinic
Classification: Benign. Last evaluated: 2024-05-09. Review status: criteria provided, single submitter. Criteria: ACMG Guidelines, 2015. Collection method: clinical testing. Allele origin: germline. Observed: 9 variant alleles.
Comment: BA1, BS2

Fulgent Genetics
Classification: Benign for Townes-Brocks syndrome 1. Last evaluated: 2022-01-10. Review status: criteria provided, single submitter. Criteria: ACMG Guidelines, 2015. Collection method: clinical testing. Allele origin: unknown.

Genome Diagnostics Laboratory, University Medical Center Utrecht
Classification: Benign for Townes-Brocks syndrome 1. Last evaluated: 2016-05-20. Review status: criteria provided, single submitter. Criteria: ACGS Guidelines, 2013. Collection method: clinical testing. Allele origin: germline. Affected: yes. Study: VKGL Data-share Consensus.

Clinical Genetics DNA and cytogenetics Diagnostics Lab, Erasmus MC, Erasmus Medical Center
Classification: Benign for Townes-Brocks syndrome 1. Last evaluated: 2015-09-21. Review status: criteria provided, single submitter. Criteria: ACGS Guidelines, 2013. Collection method: clinical testing. Allele origin: germline. Affected: yes. Study: VKGL Data-share Consensus.

GeneDx
Classification: Benign. Last evaluated: 2015-08-17. Review status: criteria provided, single submitter. Criteria: GeneDx Variant Classification Process June 2021. Collection method: clinical testing. Allele origin: germline. Affected: yes.
Comment: This variant is associated with the following publications: (PMID: 33226606)

Eurofins Ntd Llc (ga)
Classification: Likely benign. Last evaluated: 2014-11-12. Review status: criteria provided, single submitter. Criteria: EGL Classification Definitions. Collection method: clinical testing. Allele origin: germline. Observed: 4 variant alleles, 4 heterozygotes.

PreventionGenetics, part of Exact Sciences
Classification: Benign. Review status: criteria provided, single submitter. Criteria: ACMG Guidelines, 2015. Collection method: clinical testing. Allele origin: germline.

Diagnostic Laboratory, Department of Genetics, University Medical Center Groningen
Classification: Benign for Townes-Brocks syndrome 1. Review status: no assertion criteria provided. Collection method: clinical testing. Allele origin: germline. Affected: yes. Study: VKGL Data-share Consensus. Not counted in ClinVar's aggregate classification.

Laboratory of Diagnostic Genome Analysis, Leiden University Medical Center (LUMC)
Classification: Likely benign. Review status: no assertion criteria provided. Collection method: clinical testing. Allele origin: germline. Affected: yes. Study: VKGL Data-share Consensus. Not counted in ClinVar's aggregate classification.